The following is an entry in ClinVar:

NM_144997.7(FLCN):c.1202G>A (p.Arg401His)

Gene: FLCN (folliculin; minus strand). Cytogenetic location: 17p11.2.
Variant type: single nucleotide variant.
Coding change: c.1202G>A on transcript NM_144997.7 (MANE Select); coding-DNA position 1202, G replaced by A.
Protein change: p.Arg401His; replaces arginine 401 with histidine.
Molecular consequence: missense variant.
Genome position (GRCh38, 1-based): chr17:17,216,478, C>T on the plus strand (G>A on the coding strand, the complement: FLCN is on the minus strand). VCF-style: chr17-17216478-C-T. GRCh37 (hg19) VCF-style: chr17-17119792-C-T.
Other names: c.1202G>A (LRG_325t1, NM_144997.6); c.1256G>A, p.Arg419His (NM_001353229.2); c.1202G>A, p.Arg401His (NM_001353230.2, NM_001353231.2); short protein forms R401H, R419H.
Identifiers: ClinVar variation 639998 (VCV000639998.20), dbSNP rs771653740, ClinGen allele CA8416095.
Genomic context (GRCh38, chr17:17,216,478, plus strand): 5'-CTGAGCCCCAGGAAGTTGCACCGATAGGCCTCCTCGTACTGGCTGCTGTATGGGATGATG[C>T]GGACGCAGCCCACGGGAAGCATGGTCTGAGGAGGACAGCAGGACTCAGACCAAGGACACG-3'
Protein context (NP_659434.2, residues 391-411): LRTMLPVGCV[Arg401His]IIPYSSQYEE

ClinVar aggregate classification (germline): Benign/Likely benign. Review status: criteria provided, multiple submitters, no conflicts (2 of 4 stars). 6 submissions from 6 submitters: Benign (1); Likely benign (4). 1 of the submissions does not count toward it. Last evaluated 2026-01-19.

Conditions:
Birt-Hogg-Dube syndrome 1 (BHD1). Also called: FIBROFOLLICULOMAS WITH TRICHODISCOMAS AND ACROCHORDONS. Identifiers: Orphanet 122, MedGen CN375946, MONDO:0800445, OMIM 135150.
FLCN-related disorder. Also called: FLCN-related condition.
Birt-Hogg-Dube syndrome. Also called: Birt Hogg Dubé syndrome. Identifiers: Orphanet 122, MedGen C0346010, MONDO:0800444.
Hereditary cancer-predisposing syndrome. Also called: Neoplastic Syndromes, Hereditary; Hereditary Cancer Syndrome; Hereditary neoplastic syndrome; Tumor predisposition. Identifiers: Orphanet 140162, MedGen C0027672, MeSH D009386, MONDO:0015356.
Familial spontaneous pneumothorax (PSP). Identifiers: Orphanet 2903, MedGen C1868193, MONDO:0008259, OMIM 173600.
Nonpapillary renal cell carcinoma. Identifiers: Orphanet 422526, MedGen CN074294, MONDO:0007763, OMIM 144700.
Colorectal cancer. Also called: Colorectal cancer, somatic; Malignant Colorectal Neoplasm. Identifiers: MedGen C0346629, MONDO:0005575, OMIM 114500.

Allele frequency attached by ClinVar (database versions not stated): TOPMed 0.00002; gnomAD exomes 0.00007 and 0.00010; gnomAD below 0.00001 and 0.00001; ExAC 0.00009.
gnomAD v4.1: 99 of 1,613,652 alleles (0.0061%); highest among the groups gnomAD compares: South Asian, 0.089%; 1 homozygote.

Submissions (6):

Labcorp Genetics (formerly Invitae), Labcorp
Classification: Likely benign for Birt-Hogg-Dube syndrome. Last evaluated: 2026-01-19. Review status: criteria provided, single submitter. Criteria: Invitae Variant Classification Sherloc (09022015). Collection method: clinical testing. Allele origin: germline.

Quest Diagnostics Nichols Institute San Juan Capistrano
Classification: Likely benign. Last evaluated: 2025-05-28. Review status: criteria provided, single submitter. Criteria: Quest Diagnostics criteria. Collection method: clinical testing. Allele origin: unknown.

Myriad Genetics, Inc.
Classification: Likely benign for Birt-Hogg-Dube syndrome 1. Last evaluated: 2024-08-07. Review status: criteria provided, single submitter. Criteria: Myriad Autosomal Dominant, Autosomal Recessive and X-Linked Classification Criteria (2023). Collection method: clinical testing. Allele origin: unknown.
Comment: This variant is considered likely benign. This variant has been observed at a population frequency that is significantly greater than expected given the associated disease prevalence and penetrance.

Fulgent Genetics
Classification: Likely benign for Colorectal cancer; Birt-Hogg-Dube syndrome 1; Nonpapillary renal cell carcinoma; Familial spontaneous pneumothorax. Last evaluated: 2024-05-31. Review status: criteria provided, single submitter. Criteria: ACMG Guidelines, 2015. Collection method: clinical testing. Allele origin: germline.

Ambry Genetics
Classification: Benign for Hereditary cancer-predisposing syndrome. Last evaluated: 2024-04-01. Review status: criteria provided, single submitter. Criteria: Ambry Variant Classification Scheme 2023. Collection method: clinical testing. Allele origin: germline.

PreventionGenetics, part of Exact Sciences
Classification: Likely benign for FLCN-related condition. Last evaluated: 2022-08-10. Review status: no assertion criteria provided. Collection method: clinical testing. Allele origin: germline. Not counted in ClinVar's aggregate classification.
Comment: This variant is classified as likely benign based on ACMG/AMP sequence variant interpretation guidelines (Richards et al. 2015 PMID: 25741868, with internal and published modifications).

Literature cited by the submitters: PubMed 28873162 (cited by Quest Diagnostics Nichols Institute San Juan Capistrano and Ambry Genetics).